The following is an entry in ClinVar:

ClinVar aggregate classification (germline): Uncertain significance. Review status: criteria provided, multiple submitters, no conflicts (2 of 4 stars). 4 submissions from 4 submitters: Uncertain significance (4). Last evaluated 2025-05-01.

Conditions:
Weill-Marchesani syndrome 1 (WMS1). Also called: ADAMTS10-Related Weill-Marchesani Syndrome; Weill-Marchesani Syndrome, Autosomal Recessive; Weill-Marchesani syndrome 1, recessive. Identifiers: Orphanet 3449, MedGen C4552002, MONDO:0010194, OMIM 277600.
Inborn genetic diseases. Identifiers: MedGen C0950123, MeSH D030342.

Allele frequency attached by ClinVar (database versions not stated): ExAC 0.00001; gnomAD exomes 0.00002; gnomAD 0.00005; TOPMed 0.00007.
gnomAD v4.1: 32 of 1,613,838 alleles (0.002%); highest among the groups gnomAD compares: Admixed American, 0.0083%; no homozygotes.

Submissions (4):

Mayo Clinic Laboratories, Mayo Clinic
Classification: Uncertain significance. Last evaluated: 2025-05-01. Review status: criteria provided, single submitter. Criteria: ACMG Guidelines, 2015. Collection method: clinical testing. Allele origin: germline. Observed: 1 variant allele.
Comment: BP4_moderate

Ambry Genetics
Classification: Uncertain significance for Inborn genetic diseases. Last evaluated: 2025-04-14. Review status: criteria provided, single submitter. Criteria: Ambry Variant Classification Scheme 2023. Collection method: clinical testing. Allele origin: germline.

Labcorp Genetics (formerly Invitae), Labcorp
Classification: Uncertain significance. Last evaluated: 2024-01-31. Review status: criteria provided, single submitter. Criteria: Invitae Variant Classification Sherloc (09022015). Collection method: clinical testing. Allele origin: germline.
Comment: This sequence change replaces arginine, which is basic and polar, with glutamine, which is neutral and polar, at codon 210 of the ADAMTS10 protein (p.Arg210Gln). This variant is present in population databases (rs782280501, gnomAD 0.006%). This variant has not been reported in the literature in individuals affected with ADAMTS10-related conditions. ClinVar contains an entry for this variant (Variation ID: 2169297). An algorithm developed to predict the effect of missense changes on protein structure and function (PolyPhen-2) suggests that this variant¬†is likely to be tolerated. In summary, the available evidence is currently insufficient to determine the role of this variant in disease. Therefore, it has been classified as a Variant of Uncertain Significance.

Revvity Omics, Revvity
Classification: Uncertain significance for Weill-Marchesani syndrome 1. Last evaluated: 2022-01-31. Review status: criteria provided, single submitter. Criteria: ACMG Guidelines, 2015. Collection method: clinical testing. Allele origin: germline.

NM_030957.4(ADAMTS10):c.629G>A (p.Arg210Gln)

Gene: ADAMTS10 (ADAM metallopeptidase with thrombospondin type 1 motif 10; minus strand). Cytogenetic location: 19p13.2.
Variant type: single nucleotide variant.
Coding change: c.629G>A on transcript NM_030957.4 (MANE Select); coding-DNA position 629, G replaced by A.
Protein change: p.Arg210Gln; replaces arginine 210 with glutamine.
Molecular consequence: missense variant.
Genome position (GRCh38, 1-based): chr19:8,601,109, C>T on the plus strand (G>A on the coding strand, the complement: ADAMTS10 is on the minus strand). VCF-style: chr19-8601109-C-T. GRCh37 (hg19) VCF-style: chr19-8665993-C-T.
Other names: p.Arg210Gln; c.629G>A (NM_030957.2); short protein forms R210Q.
Identifiers: ClinVar variation 2169297 (VCV002169297.7), dbSNP rs782280501, ClinGen allele CA9160760.
Genomic context (GRCh38, chr19:8,601,109, plus strand): 5'-CCTGGCTGGCCACGCTCTGTTTCATTCCCCAGGGGCCTGGCAGGCGGTGGCTTCAAGGTC[C>T]GCAGCCACCATGGCCGCCCTTTCCACGGTTTCTCATCTGGGGAACCCAGTAGAGCAATTA-3'
Protein context (NP_112219.3, residues 200-220): KPWKGRPWWL[Arg210Gln]TLKPPPARPL